The following is an entry in ClinVar:

NM_015559.3(SETBP1):c.3204G>T (p.Gln1068His)

Gene: SETBP1 (SET binding protein 1; plus strand). Cytogenetic location: 18q12.3.
Variant type: single nucleotide variant.
Coding change: c.3204G>T on transcript NM_015559.3 (MANE Select); coding-DNA position 3204, G replaced by T.
Protein change: p.Gln1068His; replaces glutamine 1068 with histidine.
Molecular consequence: missense variant.
Genome position (GRCh38, 1-based): chr18:44,952,544, G>T. VCF-style: chr18-44952544-G-T. GRCh37 (hg19) VCF-style: chr18-42532509-G-T.
Other names: c.3204G>T, p.Gln1068His (NM_001379141.1, NM_001379142.1, NM_001410862.1); short protein forms Q1068H.
Identifiers: ClinVar variation 3626751 (VCV003626751.2).

ClinVar aggregate classification (germline): Uncertain significance (1 of 4 stars; one submission).

Submission:

Labcorp Genetics (formerly Invitae), Labcorp
Classification: Uncertain significance. Last evaluated: 2024-05-18. Review status: criteria provided, single submitter. Criteria: Invitae Variant Classification Sherloc (09022015). Collection method: clinical testing. Allele origin: germline.
Comment: This sequence change replaces glutamine, which is neutral and polar, with histidine, which is basic and polar, at codon 1068 of the SETBP1 protein (p.Gln1068His). This variant is not present in population databases (gnomAD no frequency). This variant has not been reported in the literature in individuals affected with SETBP1-related conditions. Advanced modeling of protein sequence and biophysical properties (such as structural, functional, and spatial information, amino acid conservation, physicochemical variation, residue mobility, and thermodynamic stability) performed at Invitae indicates that this missense variant is expected to disrupt SETBP1 protein function with a positive predictive value of 80%. In summary, the available evidence is currently insufficient to determine the role of this variant in disease. Therefore, it has been classified as a Variant of Uncertain Significance.